The following is an entry in ClinVar:

ClinVar aggregate classification (germline): Uncertain significance (1 of 4 stars; one submission).

Conditions:
Infantile GM1 gangliosidosis. Also called: Gangliosidosis, Generalized GM1, Type 1; GM1 gangliosidosis type 1; GM1-gangliosidosis, type I; Gangliosidosis, generalized GM1, infantile form; GLB1 deficiency. Identifiers: Orphanet 354, Orphanet 79255, MedGen C0268271, MONDO:0009260, OMIM 230500.
Mucopolysaccharidosis, MPS-IV-B (MPS4B). Also called: MORQUIO SYNDROME B; Mucopolysaccharidosis type IVB (Morquio); MPS IVB; Mucopolysaccharidosis type 4B; Mucopolysaccharidosis type IV B; Mucopolysaccharidosis Type IVB (Morquio B Disease). Identifiers: Orphanet 309310, Orphanet 582, MedGen C0086652, MONDO:0009660, OMIM 253010.
GM1 gangliosidosis type 3. Also called: GM1-GANGLIOSIDOSIS, TYPE III; Gangliosidosis, Generalized GM1, Type 3; GANGLIOSIDOSIS, GENERALIZED GM1, ADULT TYPE; GANGLIOSIDOSIS, GENERALIZED GM1, CHRONIC TYPE; GANGLIOSIDOSIS, GENERALIZED GM1, TYPE III; Beta-galactosidase deficiency. Identifiers: Orphanet 79257, MedGen C0268273, MONDO:0009262, OMIM 230650.
GM1 gangliosidosis type 2. Also called: GM1-GANGLIOSIDOSIS, TYPE II; Gangliosidosis, Generalized GM1, Type 2; GANGLIOSIDOSIS, GENERALIZED GM1, JUVENILE TYPE; GANGLIOSIDOSIS, GENERALIZED GM1, TYPE II; Juvenile GM>1< gangliosidosis. Identifiers: Orphanet 354, Orphanet 79256, MedGen C0268272, MONDO:0009261, OMIM 230600.

Submission:

Juno Genomics, Hangzhou Juno Genomics, Inc
Classification: Uncertain significance for Infantile GM1 gangliosidosis; GM1 gangliosidosis type 2; GM1 gangliosidosis type 3; Mucopolysaccharidosis, MPS-IV-B. Review status: criteria provided, single submitter. Criteria: ACMG Guidelines, 2015. Collection method: clinical testing. Allele origin: germline.
Comment: Absent from controls (or at extremely low frequency if recessive) in Genome Aggregation Database.;Multiple lines of computational evidence support a deleterious effect on the gene or gene product.

NM_000404.4(GLB1):c.1540C>G (p.Leu514Val)

Gene: GLB1 (galactosidase beta 1; minus strand). Cytogenetic location: 3p22.3.
Variant type: single nucleotide variant.
Coding change: c.1540C>G on transcript NM_000404.4 (MANE Select); coding-DNA position 1540, C replaced by G.
Protein change: p.Leu514Val; replaces leucine 514 with valine.
Molecular consequence: missense variant.
Genome position (GRCh38, 1-based): chr3:33,014,250, G>C on the plus strand (C>G on the coding strand, the complement: GLB1 is on the minus strand). VCF-style: chr3-33014250-G-C. GRCh37 (hg19) VCF-style: chr3-33055742-G-C.
Other names: c.1450C>G, p.Leu484Val (NM_001079811.3); c.1147C>G, p.Leu383Val (NM_001135602.3); c.1684C>G, p.Leu562Val (NM_001317040.2); c.1540C>G, p.Leu514Val (NM_001393580.1); short protein forms L484V, L562V, L514V, L383V.
Identifiers: ClinVar variation 5006607 (VCV005006607.2).